The following is an entry in ClinVar:

ClinVar aggregate classification (germline): Pathogenic/Likely pathogenic. Review status: criteria provided, multiple submitters, no conflicts (2 of 4 stars). 3 submissions from 3 submitters: Pathogenic (1); Likely pathogenic (1). 1 of the submissions does not count toward it. Last evaluated 2025-05-16.

Conditions:
Amyotrophic lateral sclerosis type 1 (ALS1). Also called: AMYOTROPHIC LATERAL SCLEROSIS 1, FAMILIAL. Identifiers: Orphanet 803, MedGen C1862939, MONDO:0007103, OMIM 105400.

Submissions (3):

Labcorp Genetics (formerly Invitae), Labcorp
Classification: Pathogenic for Amyotrophic lateral sclerosis type 1. Last evaluated: 2025-05-16. Review status: criteria provided, single submitter. Criteria: Invitae Variant Classification Sherloc (09022015). Collection method: clinical testing. Allele origin: germline.
Comment: This sequence change replaces glutamic acid, which is acidic and polar, with glycine, which is neutral and non-polar, at codon 41 of the SOD1 protein (p.Glu41Gly). This variant is not present in population databases (gnomAD no frequency). This missense change has been observed in individuals with autosomal dominant amyotrophic lateral sclerosis and/or SOD1-related conditions (PMID: 24325798, 34711284; internal data). ClinVar contains an entry for this variant (Variation ID: 575420). Invitae Evidence Modeling of protein sequence and biophysical properties (such as structural, functional, and spatial information, amino acid conservation, physicochemical variation, residue mobility, and thermodynamic stability) indicates that this missense variant is expected to disrupt SOD1 protein function with a positive predictive value of 95%. For these reasons, this variant has been classified as Pathogenic.

Suna and Inan Kirac Foundation Neurodegeneration Research Laboratory, Koc University
Classification: Likely pathogenic for Amyotrophic lateral sclerosis type 1. Last evaluated: 2020-03-31. Review status: criteria provided, single submitter. Criteria: ACMG Guidelines, 2015. Collection method: research. Allele origin: germline. Affected: yes. Observed: 2 variant alleles.

Inheritance Genetic Center
Classification: Pathogenic for Amyotrophic lateral sclerosis type 1. Last evaluated: 2024-08-10. Review status: no assertion criteria provided. Collection method: clinical testing. Allele origin: germline. Inheritance: Autosomal dominant inheritance. Affected: yes. Observed: 1 heterozygote. Not counted in ClinVar's aggregate classification.
Comment: Heterozygous pathogenic variant was detected in the SOD1 gene. SOD1: NM_000454.5 :c.122A>G :p.Glu41Gly, rs1568809149. It was reported that pathogenic mutation in the SOD1 gene is related to autosomal dominant familial amyotrophic lateral sclerosis (FALS), which is a neurodegenerative disorder characterized by the death of motor neurons in the brain, brainstem, and spinal cord, resulting in fatal paralysis. ALS usually begins with asymmetric involvement of the muscles in middle adult life. Approximately 10% of ALS cases are familial (Siddique and Deng, 1996).

Literature cited by the submitters: PubMed 24325798 (cited by Labcorp Genetics (formerly Invitae), Labcorp); PubMed 34711284 (cited by Labcorp Genetics (formerly Invitae), Labcorp); PubMed 2020294 (cited by Inheritance Genetic Center); PubMed 4434271 (cited by Inheritance Genetic Center).

NM_000454.5(SOD1):c.122A>G (p.Glu41Gly)

Gene: SOD1 (superoxide dismutase 1; plus strand). Cytogenetic location: 21q22.11.
Variant type: single nucleotide variant.
Coding change: c.122A>G on transcript NM_000454.5 (MANE Select); coding-DNA position 122, A replaced by G.
Protein change: p.Glu41Gly; replaces glutamic acid 41 with glycine.
Molecular consequence: missense variant.
Genome position (GRCh38, 1-based): chr21:31,663,839, A>G. VCF-style: chr21-31663839-A-G. GRCh37 (hg19) VCF-style: chr21-33036152-A-G.
Other names: short protein forms E41G.
Identifiers: ClinVar variation 575420 (VCV000575420.13), dbSNP rs1568809149, ClinGen allele CA410036675.
Genomic context (GRCh38, chr21:31,663,839, plus strand): 5'-TTTTCTTAAAGGAAAGTAATGGACCAGTGAAGGTGTGGGGAAGCATTAAAGGACTGACTG[A>G]AGGCCTGCATGGATTCCATGTTCATGAGTTTGGAGATAATACAGCAGGTGGGTGTTGTGC-3'
Protein context (NP_000445.1, residues 31-51): KVWGSIKGLT[Glu41Gly]GLHGFHVHEF